The following is an entry in ClinVar:

NM_001042492.3(NF1):c.244_247del (p.Ser82_Gln83insTer)

Gene: NF1 (neurofibromin 1; plus strand). Cytogenetic location: 17q11.2.
Variant type: Microsatellite.
Coding change: c.244_247del on transcript NM_001042492.3 (MANE Select); coding-DNA positions 244 to 247, 4 bases deleted (TCTC; older notation c.244_247delTCTC).
Protein change: p.Ser82_Gln83insTer.
Molecular consequence: frameshift variant. On other transcripts: nonsense (1).
Genome position (GRCh38, 1-based): chr17:31,159,049-31,159,052, TCTC deleted; deleting any 4 consecutive bases within chr17:31,159,045-31,159,052 gives the same sequence; the c. name uses the placement nearest the transcript's 3' end. VCF-style (leftmost placement, unchanged base first): chr17-31159044-ATCTC-A. GRCh37 (hg19) VCF-style: chr17-29486062-ATCTC-A.
Other names: p.Gln83*; c.240_241TC[2], p.Gln83Terfs (NM_000267.4); c.244_247del, p.Ser82_Gln83insTer (NM_001128147.3); c.244_247delTCTC (NM_000267.3).
Identifiers: ClinVar variation 484139 (VCV000484139.20), dbSNP rs771115661, ClinGen allele CA658658577.

ClinVar aggregate classification (germline): Pathogenic/Likely pathogenic. Review status: criteria provided, multiple submitters, no conflicts (2 of 4 stars). 7 submissions from 7 submitters: Pathogenic (6); Likely pathogenic (1). Last evaluated 2025-06-19.

Conditions:
Juvenile myelomonocytic leukemia (JMML). Also called: LEUKEMIA, JUVENILE MYELOMONOCYTIC, SOMATIC. Identifiers: Orphanet 86834, MedGen C0349639, MONDO:0011908, OMIM 607785, HP:0012209.
Neurofibromatosis, type 1 (NF1). Also called: NEUROFIBROMATOSIS, TYPE I, SOMATIC; Peripheral type neurofibromatosis; Neurofibromatosis, type I; VON RECKLINGHAUSEN DISEASE. Identifiers: Orphanet 636, MedGen C0027831, MONDO:0018975, OMIM 162200. Disease mechanism: loss of function.
NF1-related disorder. Also called: NF1-related condition. Identifiers: MedGen CN379171.
Hereditary cancer-predisposing syndrome. Also called: Tumor predisposition; Hereditary Cancer Syndrome; Neoplastic Syndromes, Hereditary; Hereditary neoplastic syndrome. Identifiers: Orphanet 140162, MedGen C0027672, MeSH D009386, MONDO:0015356.
Cardiovascular phenotype. Identifiers: MedGen CN230736.

Submissions (7):

Labcorp Genetics (formerly Invitae), Labcorp
Classification: Pathogenic for Neurofibromatosis, type 1. Last evaluated: 2025-06-19. Review status: criteria provided, single submitter. Criteria: Invitae Variant Classification Sherloc (09022015). Collection method: clinical testing. Allele origin: germline.
Comment: This sequence change creates a premature translational stop signal (p.Gln83*) in the NF1 gene. It is expected to result in an absent or disrupted protein product. Loss-of-function variants in NF1 are known to be pathogenic (PMID: 10712197, 23913538). This variant is not present in population databases (gnomAD no frequency). This premature translational stop signal has been observed in individual(s) with neurofibromatosis type 1 (PMID: 26740943). Invitae Evidence Modeling of clinical and family history, age, sex, and reported ancestry of multiple individuals with this NF1 variant has been performed. This variant is expected to be pathogenic with a positive predictive value of at least 99%. This is a validated machine learning model that incorporates the clinical features of 1,785,918 individuals referred to our laboratory for NF1 testing. This variant is also known as c.240_243delTCTC. ClinVar contains an entry for this variant (Variation ID: 484139). For these reasons, this variant has been classified as Pathogenic.

Ambry Genetics
Classification: Pathogenic for Cardiovascular phenotype; Hereditary cancer-predisposing syndrome. Last evaluated: 2024-12-02. Review status: criteria provided, single submitter. Criteria: Ambry Variant Classification Scheme 2023. Collection method: clinical testing. Allele origin: germline.
Comment: The c.244_247delTCTC pathogenic mutation, located in coding exon 3 of the NF1 gene, results from a deletion of 4 nucleotides at nucleotide positions 244 to 247, causing a translational frameshift with a predicted alternate stop codon (p.Q83*). This variant is considered to be rare based on population cohorts in the Genome Aggregation Database (gnomAD). This alteration was detected in two individuals with NF1 or clinical suspicion of NF1 (Bianchessi D et al. Mol Genet Genomic Med, 2015 Nov;3:513-25). In addition to the clinical data presented in the literature, this alteration is expected to result in loss of function by premature protein truncation or nonsense-mediated mRNA decay. As such, this alteration is interpreted as a disease-causing mutation.

Baylor Genetics
Classification: Likely pathogenic for Juvenile myelomonocytic leukemia. Last evaluated: 2023-12-19. Review status: criteria provided, single submitter. Criteria: ACMG Guidelines, 2015. Collection method: clinical testing. Allele origin: unknown.

GeneDx
Classification: Pathogenic. Last evaluated: 2023-02-27. Review status: criteria provided, single submitter. Criteria: GeneDx Variant Classification Process June 2021. Collection method: clinical testing. Allele origin: germline. Affected: yes.
Comment: Nonsense variant predicted to result in protein truncation or nonsense mediated decay in a gene for which loss of function is a known mechanism of disease; Not observed at significant frequency in large population cohorts (gnomAD); This variant is associated with the following publications: (PMID: 26740943)

Genome-Nilou Lab
Classification: Pathogenic for Neurofibromatosis, type 1. Last evaluated: 2022-03-15. Review status: criteria provided, single submitter. Criteria: ACMG Guidelines, 2015. Collection method: clinical testing. Allele origin: germline. Affected: no.

Mayo Clinic Laboratories, Mayo Clinic
Classification: Pathogenic. Last evaluated: 2022-01-24. Review status: criteria provided, single submitter. Criteria: ACMG Guidelines, 2015. Collection method: clinical testing. Allele origin: germline.
Comment: PP4, PM2, PVS1

Blueprint Genetics
Classification: Pathogenic for NF1-related disorders. Last evaluated: 2018-11-12. Review status: criteria provided, single submitter. Criteria: ACMG Guidelines, 2015. Collection method: clinical testing. Allele origin: germline. Affected: yes. Observed: 1 variant allele.

Literature cited by the submitters: PubMed 10712197 (cited by Labcorp Genetics (formerly Invitae), Labcorp); PubMed 23913538 (cited by Labcorp Genetics (formerly Invitae), Labcorp); PubMed 26740943 (cited by 3 submitters); PubMed 31487937 (cited by Mayo Clinic Laboratories, Mayo Clinic); PubMed 34404389 (cited by Mayo Clinic Laboratories, Mayo Clinic).